The following is an entry in ClinVar:

ClinVar aggregate classification (germline): Conflicting classifications of pathogenicity. Review status: criteria provided, conflicting classifications (1 of 4 stars). 2 submissions from 2 submitters: Uncertain significance (1); Likely benign (1). Last evaluated 2024-08-20.

Allele frequency attached by ClinVar (database versions not stated): gnomAD 0.00005; TOPMed 0.00006; ExAC 0.00010.
gnomAD v4.1: 128 of 1,613,300 alleles (0.0079%); highest among the groups gnomAD compares: South Asian, 0.019%; no homozygotes.

Submissions (2):

Ambry Genetics
Classification: Uncertain significance. Last evaluated: 2024-08-20. Review status: criteria provided, single submitter. Criteria: Ambry Variant Classification Scheme 2023. Collection method: clinical testing. Allele origin: germline.

CeGaT Center for Human Genetics Tuebingen
Classification: Likely benign. Last evaluated: 2024-04-01. Review status: criteria provided, single submitter. Criteria: CeGaT Center For Human Genetics Tuebingen Variant Classification Criteria Version 2. Collection method: clinical testing. Allele origin: germline. Affected: yes. Observed: 1 variant allele.
Comment: LRRIQ3: BP4

NM_001105659.2(LRRIQ3):c.1204C>T (p.Arg402Trp)

Gene: LRRIQ3 (leucine rich repeats and IQ motif containing 3; minus strand). Cytogenetic location: 1p31.1.
Variant type: single nucleotide variant.
Coding change: c.1204C>T on transcript NM_001105659.2 (MANE Select); coding-DNA position 1204, C replaced by T.
Protein change: p.Arg402Trp; replaces arginine 402 with tryptophan.
Molecular consequence: missense variant.
Genome position (GRCh38, 1-based): chr1:74,041,727, G>A on the plus strand (C>T on the coding strand, the complement: LRRIQ3 is on the minus strand). VCF-style: chr1-74041727-G-A. GRCh37 (hg19) VCF-style: chr1-74507411-G-A.
Other names: c.1204C>T, p.Arg402Trp (NM_001322315.2); short protein forms R402W.
Identifiers: ClinVar variation 2350797 (VCV002350797.23), dbSNP rs756201576, ClinGen allele CA907794.
Genomic context (GRCh38, chr1:74,041,727, plus strand): 5'-CACTAAATGTTCGGAGTTTCATACCAGCTCTTTGTGGTGCAAAAAACTCTTTCATACTCC[G>A]CTCCAATCGTATGTCTTTTTTAATGATTGGCTTTGGATGAGTAGTATAGATTGGCTGAGG-3'
Protein context (NP_001099129.1, residues 392-412): PIIKKDIRLE[Arg402Trp]SMKEFFAPQR